The following is an entry in ClinVar:

NM_080860.4(RSPH1):c.120C>T (p.Asn40=)

Genes: RSPH1 (radial spoke head component 1; minus strand), LOC126653391 (CDK7 strongly-dependent group 2 enhancer GRCh37_chr21:43912470-43913669; plus strand). Cytogenetic location: 21q22.3.
Variant type: single nucleotide variant.
Coding change: c.120C>T on transcript NM_080860.4 (MANE Select); coding-DNA position 120, C replaced by T.
Protein change: p.Asn40=; no amino-acid change (asparagine 40 retained).
Molecular consequence: synonymous variant. On other transcripts: intron variant (1).
Genome position (GRCh38, 1-based): chr21:42,493,014, G>A on the plus strand (C>T on the coding strand, the complement: RSPH1 is on the minus strand). VCF-style: chr21-42493014-G-A. GRCh37 (hg19) VCF-style: chr21-43913124-G-A.
Other names: c.55-151C>T (NM_001286506.2).
Identifiers: ClinVar variation 241781 (VCV000241781.15), dbSNP rs116480603, ClinGen allele CA10044059.

ClinVar aggregate classification (germline): Benign/Likely benign. Review status: criteria provided, multiple submitters, no conflicts (2 of 4 stars). 3 submissions from 3 submitters: Benign (2); Likely benign (1). Last evaluated 2026-02-01.

Conditions:
Primary ciliary dyskinesia. Also called: Ciliary dyskinesia. Identifiers: Orphanet 244, MedGen C0008780, MONDO:0016575, HP:0012265.

Allele frequency attached by ClinVar (database versions not stated): gnomAD exomes 0.00093 and 0.00231; ExAC 0.00275; 1000 Genomes Project 30x 0.00812; 1000 Genomes Project 0.00819; ESP Exome Variant Server 0.00869; gnomAD 0.00946 and 0.01020; TOPMed 0.01108.
gnomAD v4.1: 2,865 of 1,614,142 alleles (0.18%); highest among the groups gnomAD compares: African/African-American, 3.4%; 59 homozygotes.

Submissions (3):

Labcorp Genetics (formerly Invitae), Labcorp
Classification: Benign for Primary ciliary dyskinesia. Last evaluated: 2026-02-01. Review status: criteria provided, single submitter. Criteria: Invitae Variant Classification Sherloc (09022015). Collection method: clinical testing. Allele origin: germline.

GeneDx
Classification: Likely benign. Last evaluated: 2022-02-10. Review status: criteria provided, single submitter. Criteria: GeneDx Variant Classification Process June 2021. Collection method: clinical testing. Allele origin: germline. Affected: yes.
Comment: See Variant Classification Assertion Criteria.

Breakthrough Genomics
Classification: Benign. Review status: criteria provided, single submitter. Criteria: ACMG Guidelines, 2015. Collection method: not provided. Allele origin: germline. Inheritance: Autosomal recessive inheritance. Affected: yes.